The following is an entry in ClinVar:

ClinVar aggregate classification (germline): Likely benign (1 of 4 stars; one submission).

Allele frequency attached by ClinVar (database versions not stated): gnomAD 0.00034; TOPMed 0.00035; ExAC 0.00036; gnomAD exomes 0.00065; ESP Exome Variant Server 0.00069.
gnomAD v4.1: 974 of 1,606,784 alleles (0.061%); highest among the groups gnomAD compares: Non-Finnish European, 0.079%; 1 homozygote.

Submission:

CeGaT Center for Human Genetics Tuebingen
Classification: Likely benign. Last evaluated: 2022-10-01. Review status: criteria provided, single submitter. Criteria: CeGaT Center For Human Genetics Tuebingen Variant Classification Criteria Version 2. Collection method: clinical testing. Allele origin: germline. Affected: yes. Observed: 1 variant allele.
Comment: BAIAP3: BS2

NM_001199097.2(BAIAP3):c.893G>A (p.Gly298Glu)

Gene: BAIAP3 (BAI1 associated protein 3; plus strand). Cytogenetic location: 16p13.3.
Variant type: single nucleotide variant.
Coding change: c.893G>A on transcript NM_001199097.2 (MANE Select); coding-DNA position 893, G replaced by A.
Protein change: p.Gly298Glu; replaces glycine 298 with glutamic acid.
Molecular consequence: missense variant.
Genome position (GRCh38, 1-based): chr16:1,342,219, G>A. VCF-style: chr16-1342219-G-A. GRCh37 (hg19) VCF-style: chr16-1392220-G-A.
Other names: c.893G>A, p.Gly298Glu (NM_001199096.2); c.824G>A, p.Gly275Glu (NM_001199098.2); c.809G>A, p.Gly270Glu (NM_001199099.2); c.944G>A, p.Gly315Glu (NM_001286464.2); c.998G>A, p.Gly333Glu (NM_003933.5); short protein forms G270E, G275E, G298E, G315E, G333E.
Identifiers: ClinVar variation 2645891 (VCV002645891.24), dbSNP rs151024049, ClinGen allele CA7805663.